The following is an entry in ClinVar:

NM_032444.4(SLX4):c.1055A>G (p.His352Arg)

Gene: SLX4 (SLX4 structure-specific endonuclease subunit; minus strand). Cytogenetic location: 16p13.3.
Variant type: single nucleotide variant.
Coding change: c.1055A>G on transcript NM_032444.4 (MANE Select); coding-DNA position 1055, A replaced by G.
Protein change: p.His352Arg; replaces histidine 352 with arginine.
Molecular consequence: missense variant.
Genome position (GRCh38, 1-based): chr16:3,601,087, T>C on the plus strand (A>G on the coding strand, the complement: SLX4 is on the minus strand). VCF-style: chr16-3601087-T-C. GRCh37 (hg19) VCF-style: chr16-3651088-T-C.
Other names: short protein forms H352R.
Identifiers: ClinVar variation 2151218 (VCV002151218.4), dbSNP rs758160317, ClinGen allele CA7866652.

ClinVar aggregate classification (germline): Uncertain significance (1 of 4 stars; one submission).

Conditions:
Fanconi anemia (FA). Also called: Fanconi's anemia. Identifiers: Orphanet 84, MedGen C0015625, MeSH D005199, MONDO:0019391.

Allele frequency attached by ClinVar (database versions not stated): gnomAD exomes below 0.00001; ExAC 0.00003; gnomAD 0.00003; TOPMed 0.00004.
gnomAD v4.1: 12 of 1,614,026 alleles (0.00074%); highest among the groups gnomAD compares: Admixed American, 0.012%; no homozygotes.

Submission:

Labcorp Genetics (formerly Invitae), Labcorp
Classification: Uncertain significance for Fanconi anemia. Last evaluated: 2025-02-17. Review status: criteria provided, single submitter. Criteria: Invitae Variant Classification Sherloc (09022015). Collection method: clinical testing. Allele origin: germline.
Comment: This sequence change replaces histidine, which is basic and polar, with arginine, which is basic and polar, at codon 352 of the SLX4 protein (p.His352Arg). This variant is present in population databases (rs758160317, gnomAD 0.02%). This variant has not been reported in the literature in individuals affected with SLX4-related conditions. ClinVar contains an entry for this variant (Variation ID: 2151218). An algorithm developed to predict the effect of missense changes on protein structure and function (PolyPhen-2) suggests that this variant is likely to be disruptive. In summary, the available evidence is currently insufficient to determine the role of this variant in disease. Therefore, it has been classified as a Variant of Uncertain Significance.